The following is an entry in ClinVar:

ClinVar aggregate classification (germline): Benign/Likely benign. Review status: criteria provided, multiple submitters, no conflicts (2 of 4 stars). 2 submissions from 2 submitters: Benign (1); Likely benign (1). Last evaluated 2024-07-19.

Conditions:
BAP1-related tumor predisposition syndrome (TPDS1). Also called: Tumor susceptibility linked to germline BAP1 mutations; BAP1 tumor predisposition syndrome; COMMON Syndrome; TUMOR PREDISPOSITION SYNDROME 1. Identifiers: Orphanet 289539, MedGen C3280492, MONDO:0013692, OMIM 614327.

Submissions (2):

Labcorp Genetics (formerly Invitae), Labcorp
Classification: Likely benign for BAP1-related tumor predisposition syndrome. Last evaluated: 2024-07-19. Review status: criteria provided, single submitter. Criteria: Invitae Variant Classification Sherloc (09022015). Collection method: clinical testing. Allele origin: germline.

Myriad Genetics, Inc.
Classification: Benign for BAP1-related tumor predisposition syndrome. Last evaluated: 2024-07-12. Review status: criteria provided, single submitter. Criteria: Myriad Autosomal Dominant, Autosomal Recessive and X-Linked Classification Criteria (2023). Collection method: clinical testing. Allele origin: unknown.
Comment: This variant is considered benign. This variant is a silent/synonymous amino acid change and it is not expected to impact splicing.

NM_004656.4(BAP1):c.480T>C (p.Ser160=)

Gene: BAP1 (BRCA1 associated deubiquitinase 1; minus strand). Cytogenetic location: 3p21.1.
Variant type: single nucleotide variant.
Coding change: c.480T>C on transcript NM_004656.4 (MANE Select); coding-DNA position 480, T replaced by C.
Protein change: p.Ser160=; no amino-acid change (serine 160 retained).
Molecular consequence: synonymous variant.
Genome position (GRCh38, 1-based): chr3:52,407,274, A>G on the plus strand (T>C on the coding strand, the complement: BAP1 is on the minus strand). VCF-style: chr3-52407274-A-G. GRCh37 (hg19) VCF-style: chr3-52441290-A-G.
Other names: c.480T>C, p.Ser160= (NM_001410772.1).
Identifiers: ClinVar variation 3379076 (VCV003379076.3).
Genomic context (GRCh38, chr3:52,407,274, plus strand): 5'-GAGCCGGCCTGTGATAGGCACATAGCTGACAAAGTGGAACGCCTCCATGGTCCGCACTGC[A>G]CTAAGGCCATTCTGCTTCTCAGGGAGGTGGCGTGGCTCGGGCCTGGGGAAAAACAGAGTC-3'
Protein context (NP_004647.1, residues 150-170): RHLPEKQNGL[Ser160=]AVRTMEAFHF